The following is an entry in ClinVar:

ClinVar aggregate classification (germline): Uncertain significance (1 of 4 stars; one submission).

gnomAD v4.1: 15 of 1,612,710 alleles (0.00093%); highest among the groups gnomAD compares: African/African-American, 0.0013%; no homozygotes.

Submission:

CeGaT Center for Human Genetics Tuebingen
Classification: Uncertain significance. Last evaluated: 2026-01-01. Review status: criteria provided, single submitter. Criteria: CeGaT Center For Human Genetics Tuebingen Variant Classification Criteria Version 2. Collection method: clinical testing. Allele origin: germline. Affected: yes. Observed: 2 variant alleles.
Comment: CUX1: PP2, BP4

NM_001913.5(CUX1):c.1996G>A (p.Glu666Lys)

Gene: CUX1 (cut like homeobox 1; plus strand). Cytogenetic location: 7q22.1.
Variant type: single nucleotide variant.
Coding change: c.1996G>A on transcript NM_001913.5 (MANE Plus Clinical); coding-DNA position 1996, G replaced by A.
Protein change: p.Glu666Lys; replaces glutamic acid 666 with lysine.
Molecular consequence: missense variant.
Genome position (GRCh38, 1-based): chr7:102,283,049, G>A. VCF-style: chr7-102283049-G-A. GRCh37 (hg19) VCF-style: chr7-101926341-G-A.
Other names: c.1948G>A, p.Glu650Lys (NM_001202544.3); c.1858G>A, p.Glu620Lys (NM_001202545.3); c.1879G>A, p.Glu627Lys (NM_001202546.3); c.1990G>A, p.Glu664Lys (NM_181500.4); short protein forms E620K, E627K, E650K, E664K, E666K.
Identifiers: ClinVar variation 3388557 (VCV003388557.14).